The following is an entry in ClinVar:

ClinVar aggregate classification (germline): Benign (1 of 4 stars; one submission).

Allele frequency attached by ClinVar (database versions not stated): 1000 Genomes Project 0.01617; 1000 Genomes Project 30x 0.01655; TOPMed 0.02204; ESP Exome Variant Server 0.02392; gnomAD 0.02451; ExAC 0.02856; gnomAD exomes 0.03202.
gnomAD v4.1: 50,310 of 1,612,706 alleles (3.1%); highest among the groups gnomAD compares: Admixed American, 3.6%; 961 homozygotes.

Submission:

CeGaT Center for Human Genetics Tuebingen
Classification: Benign. Last evaluated: 2024-02-01. Review status: criteria provided, single submitter. Criteria: CeGaT Center For Human Genetics Tuebingen Variant Classification Criteria Version 2. Collection method: clinical testing. Allele origin: germline. Affected: yes. Observed: 1 variant allele.
Comment: SIGIRR: BP4, BS1, BS2

NM_001135054.2(SIGIRR):c.239C>A (p.Ser80Tyr)

Gene: SIGIRR (single Ig and TIR domain containing; minus strand). Cytogenetic location: 11p15.5.
Variant type: single nucleotide variant.
Coding change: c.239C>A on transcript NM_001135054.2 (MANE Select); coding-DNA position 239, C replaced by A.
Protein change: p.Ser80Tyr; replaces serine 80 with tyrosine.
Molecular consequence: missense variant.
Genome position (GRCh38, 1-based): chr11:408,174, G>T on the plus strand (C>A on the coding strand, the complement: SIGIRR is on the minus strand). VCF-style: chr11-408174-G-T. GRCh37 (hg19) VCF-style: chr11-408174-G-T.
Other names: c.239C>A, p.Ser80Tyr (NM_001135053.2, NM_021805.3); short protein forms S80Y.
Identifiers: ClinVar variation 3024719 (VCV003024719.22), dbSNP rs117739035, ClinGen allele CA5776751.